The following is an entry in ClinVar:

ClinVar aggregate classification (germline): Conflicting classifications of pathogenicity. Review status: criteria provided, conflicting classifications (1 of 4 stars). 2 submissions from 2 submitters: Uncertain significance (1); Likely benign (1). Last evaluated 2026-01-20.

Allele frequency attached by ClinVar (database versions not stated): ExAC 0.00002; gnomAD exomes 0.00002; gnomAD 0.00007.
gnomAD v4.1: 42 of 1,610,552 alleles (0.0026%); highest among the groups gnomAD compares: African/African-American, 0.019%; no homozygotes.

Submissions (2):

Labcorp Genetics (formerly Invitae), Labcorp
Classification: Uncertain significance. Last evaluated: 2026-01-20. Review status: criteria provided, single submitter. Criteria: Invitae Variant Classification Sherloc (09022015). Collection method: clinical testing. Allele origin: germline.
Comment: This sequence change replaces threonine, which is neutral and polar, with methionine, which is neutral and non-polar, at codon 3003 of the VCAN protein (p.Thr3003Met). This variant is present in population databases (rs756880346, gnomAD 0.02%). This variant has not been reported in the literature in individuals affected with VCAN-related conditions. ClinVar contains an entry for this variant (Variation ID: 2194291). An algorithm developed to predict the effect of missense changes on protein structure and function (PolyPhen-2) suggests that this variant is likely to be disruptive. In summary, the available evidence is currently insufficient to determine the role of this variant in disease. Therefore, it has been classified as a Variant of Uncertain Significance.

Blueprint Genetics
Classification: Likely benign. Last evaluated: 2022-09-09. Review status: criteria provided, single submitter. Criteria: ACMG Guidelines, 2015. Collection method: clinical testing. Allele origin: germline.

NM_004385.5(VCAN):c.9008C>T (p.Thr3003Met)

Genes: VCAN (versican; plus strand), VCAN-AS1 (VCAN antisense RNA 1; minus strand). Cytogenetic location: 5q14.3.
Variant type: single nucleotide variant.
Coding change: c.9008C>T on transcript NM_004385.5 (MANE Select); coding-DNA position 9008, C replaced by T.
Protein change: p.Thr3003Met; replaces threonine 3003 with methionine.
Molecular consequence: missense variant. On other transcripts: intron variant (2).
Genome position (GRCh38, 1-based): chr5:83,542,011, C>T. VCF-style: chr5-83542011-C-T. GRCh37 (hg19) VCF-style: chr5-82837830-C-T.
Other names: c.6047C>T, p.Thr2016Met (NM_001164097.2); c.4004-3526C>T (NM_001164098.2); c.1043-3526C>T (NM_001126336.3); short protein forms T2016M, T3003M.
Identifiers: ClinVar variation 2194291 (VCV002194291.5), dbSNP rs756880346, ClinGen allele CA3333889.